The following is an entry in ClinVar:

NM_000152.5(GAA):c.2109C>T (p.Tyr703=)

Gene: GAA (alpha glucosidase; plus strand). Cytogenetic location: 17q25.3.
Variant type: single nucleotide variant.
Coding change: c.2109C>T on transcript NM_000152.5 (MANE Select); coding-DNA position 2109, C replaced by T.
Protein change: p.Tyr703=; no amino-acid change (tyrosine 703 retained).
Molecular consequence: synonymous variant.
Genome position (GRCh38, 1-based): chr17:80,113,286, C>T. VCF-style: chr17-80113286-C-T. GRCh37 (hg19) VCF-style: chr17-78087085-C-T.
Other names: c.2109C>T (LRG_673t1, NM_000152.4); c.2109C>T, p.Tyr703= (NM_001079803.3, NM_001079804.3).
Identifiers: ClinVar variation 291223 (VCV000291223.27), dbSNP rs150728610, ClinGen allele CA8815611.

ClinVar aggregate classification (germline): Conflicting classifications of pathogenicity. Review status: criteria provided, conflicting classifications (1 of 4 stars). 8 submissions from 8 submitters: Uncertain significance (1); Likely benign (5). 2 of the submissions do not count toward it. Last evaluated 2026-01-23.

Conditions:
GAA-related disorder. Also called: GAA-related condition.
Cardiovascular phenotype. Identifiers: MedGen CN230736.
Glycogen storage disease, type II (IOPD). Also called: GLYCOGENOSIS, GENERALIZED, CARDIAC FORM; GSD II; POMPE DISEASE, INFANTILE-ONSET; GLYCOGEN STORAGE DISEASE II, INFANTILE-ONSET; ACID ALPHA-GLUCOSIDASE DEFICIENCY, INFANTILE-ONSET; GAA DEFICIENCY, INFANTILE-ONSET. Identifiers: Orphanet 365, MedGen C0017921, MONDO:0009290, OMIM 232300.

Allele frequency attached by ClinVar (database versions not stated): gnomAD exomes 0.00004 and 0.00007; ExAC 0.00013; gnomAD 0.00035 and 0.00038; 1000 Genomes Project 0.00040; TOPMed 0.00045; 1000 Genomes Project 30x 0.00047; ESP Exome Variant Server 0.00054.

Submissions (8):

Labcorp Genetics (formerly Invitae), Labcorp
Classification: Likely benign for Glycogen storage disease, type II. Last evaluated: 2026-01-23. Review status: criteria provided, single submitter. Criteria: Invitae Variant Classification Sherloc (09022015). Collection method: clinical testing. Allele origin: germline.

Ambry Genetics
Classification: Likely benign for Cardiovascular phenotype. Last evaluated: 2022-03-22. Review status: criteria provided, single submitter. Criteria: Ambry Variant Classification Scheme 2023. Collection method: clinical testing. Allele origin: germline.

Genome-Nilou Lab
Classification: Likely benign for Glycogen storage disease, type II. Last evaluated: 2021-07-22. Review status: criteria provided, single submitter. Criteria: ACMG Guidelines, 2015. Collection method: clinical testing. Allele origin: germline. Affected: no.

Broad Center for Mendelian Genomics, Broad Institute of MIT and Harvard
Classification: Likely benign for Glycogen storage disease, type II. Last evaluated: 2020-01-22. Review status: criteria provided, single submitter. Criteria: ACMG Guidelines, 2015. Collection method: curation. Allele origin: germline. Inheritance: Autosomal recessive inheritance.
Comment: The c.2109C>T (p.Tyr703=) variant in GAA has not been previously reported in individuals with Glycogen Storage Disease II but has been reported as a VUS by EGL Genetic Diagnostics and a likely benign variant by GeneDx and Invitae in ClinVar (Variation ID: 291223). This variant has been identified in 0.094% (21/22256) of African chromosomes by the Genome Aggregation Database (gnomAD; dbSNP rs150728610). Although this variant has been seen in the general population, its frequency is low enough to be consistent with a recessive carrier frequency. Computational prediction tools and conservation analyses suggest that this variant may not impact the protein, though this information is not predictive enough to rule out pathogenicity. However, novel synonymous variants supported by computational evidence without raised suspicion for an impact are likely benign (Richards 2015). In summary, although additional studies are required to fully establish its clinical significance, this variant is likely benign. ACMG/AMP Criteria applied: PM2, BP4, BP7 (Richards 2015).

GeneDx
Classification: Likely benign. Last evaluated: 2019-10-22. Review status: criteria provided, single submitter. Criteria: GeneDx Variant Classification Process June 2021. Collection method: clinical testing. Allele origin: germline. Affected: yes.

Eurofins Ntd Llc (ga)
Classification: Uncertain significance. Last evaluated: 2018-06-01. Review status: criteria provided, single submitter. Criteria: EGL ClinVar v180209 classification definitions. Collection method: clinical testing. Allele origin: germline. Observed: 2 variant alleles, 2 heterozygotes.

Natera, Inc.
Classification: Uncertain significance for Glycogen storage disease type II. Last evaluated: 2020-01-24. Review status: no assertion criteria provided. Collection method: clinical testing. Allele origin: germline. Not counted in ClinVar's aggregate classification.

PreventionGenetics, part of Exact Sciences
Classification: Likely benign for GAA-related condition. Last evaluated: 2019-11-08. Review status: no assertion criteria provided. Collection method: clinical testing. Allele origin: germline. Not counted in ClinVar's aggregate classification.
Comment: This variant is classified as likely benign based on ACMG/AMP sequence variant interpretation guidelines (Richards et al. 2015 PMID: 25741868, with internal and published modifications).